The following is an entry in ClinVar:

ClinVar aggregate classification (germline): Uncertain significance (1 of 4 stars; one submission).

Conditions:
Cardiovascular phenotype. Identifiers: MedGen CN230736.

gnomAD v4.1: 2 of 1,613,972 alleles (0.00012%); highest among the groups gnomAD compares: Non-Finnish European, 0.00017%; no homozygotes.

Submission:

Ambry Genetics
Classification: Uncertain significance for Cardiovascular phenotype. Last evaluated: 2026-06-12. Review status: criteria provided, single submitter. Criteria: Ambry Variant Classification Scheme 2023. Collection method: clinical testing. Allele origin: germline.
Comment: The p.G155E variant (also known as c.464G>A), located in coding exon 4 of the FKTN gene, results from a G to A substitution at nucleotide position 464. The glycine at codon 155 is replaced by glutamic acid, an amino acid with similar properties. This amino acid position is conserved. In addition, the in silico prediction for this alteration is inconclusive. Based on the available evidence, the clinical significance of this variant remains unclear.

NM_001079802.2(FKTN):c.464G>A (p.Gly155Glu)

Gene: FKTN (fukutin; plus strand). Cytogenetic location: 9q31.2.
Variant type: single nucleotide variant.
Coding change: c.464G>A on transcript NM_001079802.2 (MANE Select); coding-DNA position 464, G replaced by A.
Protein change: p.Gly155Glu; replaces glycine 155 with glutamic acid.
Molecular consequence: missense variant. On other transcripts: non-coding transcript variant (2).
Genome position (GRCh38, 1-based): chr9:105,604,309, G>A. VCF-style: chr9-105604309-G-A. GRCh37 (hg19) VCF-style: chr9-108366590-G-A.
Other names: c.464G>A, p.Gly155Glu (NM_001198963.2, NM_001351496.2, NM_001351498.2 and 1 more transcripts); c.395G>A, p.Gly132Glu (NM_001351497.2); c.68G>A, p.Gly23Glu (NM_001351499.2, NM_001351500.2, NM_001351501.2 and 1 more transcripts); short protein forms G132E, G155E, G23E.
Identifiers: ClinVar variation 4871357 (VCV004871357.1).